The following is an entry in ClinVar:

ClinVar aggregate classification (germline): Conflicting classifications of pathogenicity. Review status: criteria provided, conflicting classifications (1 of 4 stars). 3 submissions from 3 submitters: Pathogenic (1); Likely pathogenic (1); Uncertain significance (1). Last evaluated 2025-02-03.

Conditions:
Atrioventricular septal defect, susceptibility to, 2. Identifiers: MedGen C1853508, MONDO:0011650, OMIM 606217.

Submissions (3):

GeneDx
Classification: Likely pathogenic. Last evaluated: 2025-02-03. Review status: criteria provided, single submitter. Criteria: GeneDx Variant Classification Process June 2021. Collection method: clinical testing. Allele origin: germline. Affected: yes.
Comment: Frameshift variant predicted to result in protein truncation or nonsense mediated decay in a gene for which loss of function is a known mechanism of disease; Not observed at significant frequency in large population cohorts (gnomAD); Has not been previously published as pathogenic or benign to our knowledge

Labcorp Genetics (formerly Invitae), Labcorp
Classification: Pathogenic for Atrioventricular septal defect, susceptibility to, 2. Last evaluated: 2024-10-07. Review status: criteria provided, single submitter. Criteria: Invitae Variant Classification Sherloc (09022015). Collection method: clinical testing. Allele origin: germline.
Comment: This sequence change creates a premature translational stop signal (p.Gly189Valfs*56) in the CRELD1 gene. It is expected to result in an absent or disrupted protein product. Loss-of-function variants in CRELD1 are known to be pathogenic (PMID: 37947183). This variant is present in population databases (no rsID available, gnomAD 0.006%). This variant has not been reported in the literature in individuals affected with CRELD1-related conditions. ClinVar contains an entry for this variant (Variation ID: 1522151). For these reasons, this variant has been classified as Pathogenic.

Revvity Omics, Revvity
Classification: Uncertain significance for Atrioventricular septal defect, susceptibility to, 2. Last evaluated: 2020-12-16. Review status: criteria provided, single submitter. Criteria: ACMG Guidelines, 2015. Collection method: clinical testing. Allele origin: germline.

Literature cited by the submitters: PubMed 37947183 (cited by Labcorp Genetics (formerly Invitae), Labcorp).

NM_001077415.3(CRELD1):c.566del (p.Gly189fs)

Gene: CRELD1 (CRELD disulfide isomerase 1; plus strand). Cytogenetic location: 3p25.3.
Variant type: Deletion.
Coding change: c.566del on transcript NM_001077415.3 (MANE Select); coding-DNA position 566, one base deleted (G; older notation c.566delG).
Protein change: p.Gly189fs; shifts the reading frame from glycine 189.
Molecular consequence: frameshift variant. On other transcripts: non-coding transcript variant (3).
Genome position (GRCh38, 1-based): chr3:9,940,955, G deleted; the last of 5 consecutive G bases (chr3:9,940,951-9,940,955); deleting any one gives the same sequence. VCF-style (leftmost placement, unchanged base first): chr3-9940950-CG-C. GRCh37 (hg19) VCF-style: chr3-9982634-CG-C.
Other names: c.566del (NM_015513.4); c.566del, p.Gly189fs (NM_001031717.4, NM_001374316.1, NM_001374317.1 and 4 more transcripts); short protein forms G189fs.
Identifiers: ClinVar variation 1522151 (VCV001522151.9), dbSNP rs1559337563, ClinGen allele CA541213031.